The following is an entry in ClinVar:

NC_000002.12:g.(?_110123791)_(110164730_?)dup

Gene: NPHP1 (nephrocystin 1; minus strand). Cytogenetic location: 2q13.
Variant type: Duplication.
Identifiers: ClinVar variation 830754 (VCV000830754.4).

ClinVar aggregate classification (germline): Uncertain significance (1 of 4 stars; one submission).

Conditions:
Nephronophthisis. Also called: Juvenile Nephronophthisis. Identifiers: Orphanet 655, MedGen C0687120, MONDO:0019005, HP:0000090.

Submission:

Labcorp Genetics (formerly Invitae), Labcorp
Classification: Uncertain significance for Nephronophthisis. Last evaluated: 2022-11-29. Review status: criteria provided, single submitter. Criteria: Invitae Variant Classification Sherloc (09022015). Collection method: clinical testing. Allele origin: germline.
Comment: In summary, the available evidence is currently insufficient to determine the role of this variant in disease. Therefore, it has been classified as a Variant of Uncertain Significance. This variant has not been reported in the literature in individuals affected with NPHP1-related conditions. This variant results in a copy number gain of the genomic region encompassing exon(s) 8-20 of the NPHP1 gene. This region includes the termination codon of the gene. This copy number gain extends beyond the assayed region for this gene and therefore may encompass additional genes. As the precise location of this event is unknown, it may be in tandem or it may be located elsewhere in the genome.